The following is an entry in ClinVar:

NM_020461.4(TUBGCP6):c.1282G>A (p.Val428Met)

Gene: TUBGCP6 (tubulin gamma complex component 6; minus strand). Cytogenetic location: 22q13.33.
Variant type: single nucleotide variant.
Coding change: c.1282G>A on transcript NM_020461.4 (MANE Select); coding-DNA position 1282, G replaced by A.
Protein change: p.Val428Met; replaces valine 428 with methionine.
Molecular consequence: missense variant.
Genome position (GRCh38, 1-based): chr22:50,229,412, C>T on the plus strand (G>A on the coding strand, the complement: TUBGCP6 is on the minus strand). VCF-style: chr22-50229412-C-T. GRCh37 (hg19) VCF-style: chr22-50667841-C-T.
Other names: c.1282G>A (NM_020461.3); short protein forms V428M.
Identifiers: ClinVar variation 1431989 (VCV001431989.7), dbSNP rs766945103, ClinGen allele CA10308763.

ClinVar aggregate classification (germline): Uncertain significance. Review status: criteria provided, multiple submitters, no conflicts (2 of 4 stars). 2 submissions from 2 submitters: Uncertain significance (2). Last evaluated 2025-05-19.

Conditions:
Inborn genetic diseases. Identifiers: MedGen C0950123, MeSH D030342.

Allele frequency attached by ClinVar (database versions not stated): gnomAD exomes 0.00001; ExAC 0.00001; TOPMed 0.00002.
gnomAD v4.1: 7 of 1,613,408 alleles (0.00043%); highest among the groups gnomAD compares: South Asian, 0.0011%; no homozygotes.

Submissions (2):

Labcorp Genetics (formerly Invitae), Labcorp
Classification: Uncertain significance. Last evaluated: 2025-05-19. Review status: criteria provided, single submitter. Criteria: Invitae Variant Classification Sherloc (09022015). Collection method: clinical testing. Allele origin: germline.
Comment: This sequence change replaces valine, which is neutral and non-polar, with methionine, which is neutral and non-polar, at codon 428 of the TUBGCP6 protein (p.Val428Met). This variant is present in population databases (rs766945103, gnomAD 0.002%). This variant has not been reported in the literature in individuals affected with TUBGCP6-related conditions. ClinVar contains an entry for this variant (Variation ID: 1431989). An algorithm developed to predict the effect of missense changes on protein structure and function (PolyPhen-2) suggests that this variant is likely to be disruptive. In summary, the available evidence is currently insufficient to determine the role of this variant in disease. Therefore, it has been classified as a Variant of Uncertain Significance.

Ambry Genetics
Classification: Uncertain significance for Inborn genetic diseases. Last evaluated: 2024-11-09. Review status: criteria provided, single submitter. Criteria: Ambry Variant Classification Scheme 2023. Collection method: clinical testing. Allele origin: germline.